The following is an entry in ClinVar:

NM_001042492.3(NF1):c.1130T>G (p.Ile377Ser)

Gene: NF1 (neurofibromin 1; plus strand). Cytogenetic location: 17q11.2.
Variant type: single nucleotide variant.
Coding change: c.1130T>G on transcript NM_001042492.3 (MANE Select); coding-DNA position 1130, T replaced by G.
Protein change: p.Ile377Ser; replaces isoleucine 377 with serine.
Molecular consequence: missense variant.
Genome position (GRCh38, 1-based): chr17:31,201,104, T>G. VCF-style: chr17-31201104-T-G. GRCh37 (hg19) VCF-style: chr17-29528122-T-G.
Other names: c.1130T>G, p.Ile377Ser (NM_000267.4, NM_001128147.3); short protein forms I377S.
Identifiers: ClinVar variation 4800716 (VCV004800716.1).
Genomic context (GRCh38, chr17:31,201,104, plus strand): 5'-TTTTTAATCCAAGTAAGCCATTCTCAAGAGGCAGTCAGCCTGCAGATGTGGATCTAATGA[T>G]TGACTGCCTTGTTTCTTGCTTTCGTATAAGCCCTCACAACAACCAACACTTTAAGGTGAG-3'
Protein context (NP_001035957.1, residues 367-387): GSQPADVDLM[Ile377Ser]DCLVSCFRIS

ClinVar aggregate classification (germline): Uncertain significance (1 of 4 stars; one submission).

Conditions:
Neurofibromatosis, type 1 (NF1). Also called: VON RECKLINGHAUSEN DISEASE; Neurofibromatosis, type I; NEUROFIBROMATOSIS, TYPE I, SOMATIC; Peripheral type neurofibromatosis. Identifiers: Orphanet 636, MedGen C0027831, MONDO:0018975, OMIM 162200. Disease mechanism: loss of function.

Submission:

Labcorp Genetics (formerly Invitae), Labcorp
Classification: Uncertain significance for Neurofibromatosis, type 1. Last evaluated: 2025-02-19. Review status: criteria provided, single submitter. Criteria: Invitae Variant Classification Sherloc (09022015). Collection method: clinical testing. Allele origin: germline.
Comment: This sequence change replaces isoleucine, which is neutral and non-polar, with serine, which is neutral and polar, at codon 377 of the NF1 protein (p.Ile377Ser). This variant is not present in population databases (gnomAD no frequency). This variant has not been reported in the literature in individuals affected with NF1-related conditions. Invitae Evidence Modeling of protein sequence and biophysical properties (such as structural, functional, and spatial information, amino acid conservation, physicochemical variation, residue mobility, and thermodynamic stability) has been performed for this missense variant. However, the output from this modeling did not meet the statistical confidence thresholds required to predict the impact of this variant on NF1 protein function. In summary, the available evidence is currently insufficient to determine the role of this variant in disease. Therefore, it has been classified as a Variant of Uncertain Significance.